The following is an entry in ClinVar:

NM_018489.3(ASH1L):c.1451_1456delinsAAAAAA (p.Arg484_Glu486delinsGlnLysLys)

Gene: ASH1L (ASH1 like histone lysine methyltransferase; minus strand). Cytogenetic location: 1q22.
Variant type: Indel.
Coding change: c.1451_1456delinsAAAAAA on transcript NM_018489.3 (MANE Select); coding-DNA positions 1451 to 1456, GAAAAG replaced by AAAAAA.
Protein change: p.Arg484_Glu486delinsGlnLysLys.
Molecular consequence: missense variant.
Genome position (GRCh38, 1-based): chr1:155,481,414-155,481,419, CTTTTC replaced by TTTTTT on the plus strand (GAAAAG replaced by AAAAAA on the coding strand, the reverse complement: ASH1L is on the minus strand). VCF-style: chr1-155481414-CTTTTC-TTTTTT. GRCh37 (hg19) VCF-style: chr1-155451205-CTTTTC-TTTTTT.
Other names: c.1451_1456delinsAAAAAA, p.Arg484_Glu486delinsGlnLysLys (NM_001366177.2).
Identifiers: ClinVar variation 3364162 (VCV003364162.1).

ClinVar aggregate classification (germline): Uncertain significance (1 of 4 stars; one submission).

Submission:

GeneDx
Classification: Uncertain significance. Last evaluated: 2023-11-07. Review status: criteria provided, single submitter. Criteria: GeneDx Variant Classification Process June 2021. Collection method: clinical testing. Allele origin: germline. Affected: yes.
Comment: Not observed at significant frequency in large population cohorts (gnomAD); In silico analysis supports a deleterious effect on protein structure/function; Has not been previously published as pathogenic or benign to our knowledge